The following is an entry in ClinVar:

ClinVar aggregate classification (germline): Likely benign (1 of 4 stars; one submission).

Allele frequency attached by ClinVar (database versions not stated): gnomAD 0.25989.

Submission:

GeneDx
Classification: Likely benign. Last evaluated: 2022-01-13. Review status: criteria provided, single submitter. Criteria: GeneDx Variant Classification Process June 2021. Collection method: clinical testing. Allele origin: germline. Affected: yes.
Comment: See Variant Classification Assertion Criteria.

NC_000017.11:g.73192846C>G

Gene: COG1 (component of oligomeric golgi complex 1; plus strand). Cytogenetic location: 17q25.1.
Variant type: single nucleotide variant.
Genome position: GRCh38 VCF-style: chr17-73192846-C-G. GRCh37 (hg19) VCF-style: chr17-71188985-C-G.
Identifiers: ClinVar variation 1706930 (VCV001706930.3), dbSNP rs8076009, ClinGen allele CA293796410.